The following is an entry in ClinVar:

NM_177438.3(DICER1):c.3299A>C (p.Lys1100Thr)

Gene: DICER1 (dicer 1, ribonuclease III; minus strand). Cytogenetic location: 14q32.13.
Variant type: single nucleotide variant.
Coding change: c.3299A>C on transcript NM_177438.3 (MANE Select); coding-DNA position 3299, A replaced by C.
Protein change: p.Lys1100Thr; replaces lysine 1100 with threonine.
Molecular consequence: missense variant. On other transcripts: non-coding transcript variant (4).
Genome position (GRCh38, 1-based): chr14:95,104,097, T>G on the plus strand (A>C on the coding strand, the complement: DICER1 is on the minus strand). VCF-style: chr14-95104097-T-G. GRCh37 (hg19) VCF-style: chr14-95570434-T-G.
Other names: c.3299A>C, p.Lys1100Thr (NM_001195573.1, NM_001271282.3, NM_001291628.2 and 13 more transcripts); c.3017A>C, p.Lys1006Thr (NM_001395686.1); c.2894A>C, p.Lys965Thr (NM_001395687.1, NM_001395688.1, NM_001395689.1 and 2 more transcripts); c.2732A>C, p.Lys911Thr (NM_001395691.1); c.1616A>C, p.Lys539Thr (NM_001395697.1); short protein forms K539T, K911T, K1006T, K1100T, K965T.
Identifiers: ClinVar variation 2826682 (VCV002826682.3), dbSNP rs2542722607, ClinGen allele CA390876010.

ClinVar aggregate classification (germline): Uncertain significance (1 of 4 stars; one submission).

Conditions:
DICER1-related tumor predisposition. Also called: DICER1-related pleuropulmonary blastoma cancer predisposition syndrome; DICER1 syndrome. Identifiers: Orphanet 284343, MedGen C3839822, MONDO:0100216.

Submission:

Labcorp Genetics (formerly Invitae), Labcorp
Classification: Uncertain significance for DICER1-related tumor predisposition. Last evaluated: 2023-08-28. Review status: criteria provided, single submitter. Criteria: Invitae Variant Classification Sherloc (09022015). Collection method: clinical testing. Allele origin: germline.
Comment: This variant has not been reported in the literature in individuals affected with DICER1-related conditions. This sequence change replaces lysine, which is basic and polar, with threonine, which is neutral and polar, at codon 1100 of the DICER1 protein (p.Lys1100Thr). This variant is not present in population databases (gnomAD no frequency). Advanced modeling of protein sequence and biophysical properties (such as structural, functional, and spatial information, amino acid conservation, physicochemical variation, residue mobility, and thermodynamic stability) performed at Invitae indicates that this missense variant is not expected to disrupt DICER1 protein function. In summary, the available evidence is currently insufficient to determine the role of this variant in disease. Therefore, it has been classified as a Variant of Uncertain Significance.